The following is an entry in ClinVar:

NM_004655.4(AXIN2):c.971_973del (p.Pro324_Tyr325delinsHis)

Gene: AXIN2 (axin 2; minus strand). Cytogenetic location: 17q24.1.
Variant type: Deletion.
Coding change: c.971_973del on transcript NM_004655.4 (MANE Select); coding-DNA positions 971 to 973, 3 bases deleted (CTT; older notation c.971_973delCTT).
Protein change: p.Pro324_Tyr325delinsHis.
Molecular consequence: inframe indel.
Genome position (GRCh38, 1-based): chr17:65,541,541-65,541,543, AAG deleted on the plus strand (CTT on the coding strand, the reverse complement: AXIN2 is on the minus strand). VCF-style (leftmost placement, unchanged base first): chr17-65541540-TAAG-T. GRCh37 (hg19) VCF-style: chr17-63537658-TAAG-T.
Other names: c.971_973del, p.Pro324_Tyr325delinsHis (NM_001363813.1).
Identifiers: ClinVar variation 1767953 (VCV001767953.7), dbSNP rs1567759412, ClinGen allele CA626908896.

ClinVar aggregate classification (germline): Uncertain significance. Review status: criteria provided, multiple submitters, no conflicts (2 of 4 stars). 2 submissions from 2 submitters: Uncertain significance (2). Last evaluated 2025-05-13.

Conditions:
Hereditary cancer-predisposing syndrome. Also called: Hereditary Cancer Syndrome; Hereditary neoplastic syndrome; Neoplastic Syndromes, Hereditary; Tumor predisposition. Identifiers: Orphanet 140162, MedGen C0027672, MeSH D009386, MONDO:0015356.
Oligodontia-cancer predisposition syndrome. Also called: TOOTH AGENESIS-COLORECTAL CANCER SYNDROME. Identifiers: Orphanet 300576, MedGen C1837750, MONDO:0012075, OMIM 608615. Disease mechanism: loss of function.

Allele frequency attached by ClinVar (database versions not stated): gnomAD exomes below 0.00001; TOPMed below 0.00001.

Submissions (2):

Labcorp Genetics (formerly Invitae), Labcorp
Classification: Uncertain significance for Oligodontia-cancer predisposition syndrome. Last evaluated: 2025-05-13. Review status: criteria provided, single submitter. Criteria: Invitae Variant Classification Sherloc (09022015). Collection method: clinical testing. Allele origin: germline.
Comment: This variant, c.971_973del, is a complex sequence change that results in the deletion of 2 and insertion of 1 amino acid(s) in the AXIN2 protein (p.Pro324_Tyr325delinsHis). This variant is present in population databases (no rsID available, gnomAD 0.003%). This variant has not been reported in the literature in individuals affected with AXIN2-related conditions. ClinVar contains an entry for this variant (Variation ID: 1767953). Experimental studies and prediction algorithms are not available or were not evaluated, and the functional significance of this variant is currently unknown. In summary, the available evidence is currently insufficient to determine the role of this variant in disease. Therefore, it has been classified as a Variant of Uncertain Significance.

Ambry Genetics
Classification: Uncertain significance for Hereditary cancer-predisposing syndrome. Last evaluated: 2023-10-24. Review status: criteria provided, single submitter. Criteria: Ambry Variant Classification Scheme 2023. Collection method: clinical testing. Allele origin: germline.
Comment: The c.971_973delCTT variant (also known as p.P324_Y325delinsH) is located in coding exon 3 of the AXIN2 gene. This variant results from an in-frame CTT deletion at nucleotide positions 971 to 973. This results in the deletion of the proline and tyrosine residues at codons 324 and 325 and insertion of a histidine residue. This amino acid region is highly conserved in available vertebrate species. In addition, this alteration is predicted to be deleterious by in silico analysis (Choi Y et al. PLoS ONE. 2012; 7(10):e46688). Since supporting evidence is limited at this time, the clinical significance of this alteration remains unclear.